The following is an entry in ClinVar:

NM_001876.4(CPT1A):c.1183C>T (p.Arg395Cys)

Genes: CPT1A (carnitine palmitoyltransferase 1A; minus strand), LOC126861244 (BRD4-independent group 4 enhancer GRCh37_chr11:68549035-68550234; plus strand). Cytogenetic location: 11q13.3.
Variant type: single nucleotide variant.
Coding change: c.1183C>T on transcript NM_001876.4 (MANE Select); coding-DNA position 1183, C replaced by T.
Protein change: p.Arg395Cys; replaces arginine 395 with cysteine.
Molecular consequence: missense variant.
Genome position (GRCh38, 1-based): chr11:68,781,940, G>A on the plus strand (C>T on the coding strand, the complement: CPT1A is on the minus strand). VCF-style: chr11-68781940-G-A. GRCh37 (hg19) VCF-style: chr11-68549408-G-A.
Other names: c.1183C>T, p.Arg395Cys (NM_001031847.3); short protein forms R395C.
Identifiers: ClinVar variation 1055687 (VCV001055687.6), dbSNP rs1451283997, ClinGen allele CA381631942.
Genomic context (GRCh38, chr11:68,781,940, plus strand): 5'-CTGCTTTCTCCACAGCATCAAGAGACTGCTTATTTTTCCCACGTCCAAAATAGGCCTGAC[G>A]ACACCTGGCCCAGGGAACTCTGCAGTGAAGATGAAATACGATTAAAGGCAGCCCGACCTG-3'
Protein context (NP_001867.2, residues 385-405): AGDRVPWARC[Arg395Cys]QAYFGRGKNK

ClinVar aggregate classification (germline): Uncertain significance (1 of 4 stars; one submission).

Conditions:
Carnitine palmitoyl transferase 1A deficiency. Also called: CPT deficiency, hepatic, type IA; CPT I DEFICIENCY; CPT DEFICIENCY, HEPATIC, TYPE I; Carnitine palmitoyltransferase 1A deficiency; Carnitine palmitoyltransferase type I deficiency. Identifiers: Orphanet 156, MedGen C1829703, MONDO:0009705, OMIM 255120.

Allele frequency attached by ClinVar (database versions not stated): gnomAD exomes below 0.00001.
gnomAD v4.1: 3 of 1,614,156 alleles (0.00019%); highest among the groups gnomAD compares: Admixed American, 0.0017%; no homozygotes.

Submission:

Labcorp Genetics (formerly Invitae), Labcorp
Classification: Uncertain significance for Carnitine palmitoyl transferase 1A deficiency. Last evaluated: 2021-09-01. Review status: criteria provided, single submitter. Criteria: Invitae Variant Classification Sherloc (09022015). Collection method: clinical testing. Allele origin: germline.
Comment: This sequence change replaces arginine with cysteine at codon 395 of the CPT1A protein (p.Arg395Cys). The arginine residue is highly conserved and there is a large physicochemical difference between arginine and cysteine. This variant is not present in population databases (ExAC no frequency). This missense change has been observed in individual(s) with CPT1A-related condition (Invitae). Algorithms developed to predict the effect of missense changes on protein structure and function are either unavailable or do not agree on the potential impact of this missense change (SIFT: "Deleterious"; PolyPhen-2: "Probably Damaging"; Align-GVGD: "Class C0"). In summary, the available evidence is currently insufficient to determine the role of this variant in disease. Therefore, it has been classified as a Variant of Uncertain Significance.